The following is an entry in ClinVar:

ClinVar aggregate classification (germline): Pathogenic (1 of 4 stars; one submission).

Submission:

Labcorp Genetics (formerly Invitae), Labcorp
Classification: Pathogenic. Last evaluated: 2022-03-04. Review status: criteria provided, single submitter. Criteria: Invitae Variant Classification Sherloc (09022015). Collection method: clinical testing. Allele origin: germline.
Comment: This sequence change creates a premature translational stop signal (p.His44Thrfs*2) in the NFIA gene. It is expected to result in an absent or disrupted protein product. Loss-of-function variants in NFIA are known to be pathogenic (PMID: 27081522, 31730271). For these reasons, this variant has been classified as Pathogenic. This variant has not been reported in the literature in individuals affected with NFIA-related conditions. This variant is not present in population databases (gnomAD no frequency).

Literature cited by the submitters: PubMed 27081522; PubMed 31730271.

NM_001134673.4(NFIA):c.129dup (p.His44fs)

Gene: NFIA (nuclear factor I A; plus strand). Cytogenetic location: 1p31.3.
Variant type: Duplication.
Coding change: c.129dup on transcript NM_001134673.4 (MANE Select); coding-DNA position 129, one base duplicated (A; older notation c.129dupA).
Protein change: p.His44fs; shifts the reading frame from histidine 44.
Molecular consequence: frameshift variant.
Genome position (GRCh38, 1-based): chr1:61,088,250, A duplicated; the last of 6 consecutive A bases (chr1:61,088,245-61,088,250); duplicating any one gives the same sequence. VCF-style (leftmost placement, unchanged base first): chr1-61088244-C-CA. GRCh37 (hg19) VCF-style: chr1-61553916-C-CA.
Other names: c.105dup, p.His36fs (NM_001145511.2); c.264dup, p.His89fs (NM_001145512.2); c.129dup, p.His44fs (NM_005595.5); short protein forms H44fs, H36fs, H89fs.
Identifiers: ClinVar variation 2098987 (VCV002098987.4), dbSNP rs2524199429, ClinGen allele CA2580063082.